The following is an entry in ClinVar:

ClinVar aggregate classification (germline): Pathogenic/Likely pathogenic. Review status: criteria provided, multiple submitters, no conflicts (2 of 4 stars). 2 submissions from 2 submitters: Pathogenic (1); Likely pathogenic (1). Last evaluated 2024-04-20.

Conditions:
X-linked Alport syndrome (ATS1). Also called: NEPHROPATHY AND DEAFNESS, X-LINKED; COL4A5-Related Nephropathy. Identifiers: Orphanet 63, Orphanet 88917, MedGen C4746986, MONDO:0010520, OMIM 301050.

Submissions (2):

Fulgent Genetics
Classification: Likely pathogenic for X-linked Alport syndrome. Last evaluated: 2024-04-20. Review status: criteria provided, single submitter. Criteria: ACMG Guidelines, 2015. Collection method: clinical testing. Allele origin: germline.

Labcorp Genetics (formerly Invitae), Labcorp
Classification: Pathogenic. Last evaluated: 2022-08-20. Review status: criteria provided, single submitter. Criteria: Invitae Variant Classification Sherloc (09022015). Collection method: clinical testing. Allele origin: germline.
Comment: For these reasons, this variant has been classified as Pathogenic. This variant disrupts the triple helix domain of COL4A5. Glycine residues within the Gly-Xaa-Yaa repeats of the triple helix domain are required for the structure and stability of fibrillar collagens (PMID: 7695699, 8218237, 19344236). In COL4A5, missense variants at these glycine residues are significantly enriched in individuals with disease (PMID: 23720012, 27627812) compared to the general population (ExAC). Advanced modeling of protein sequence and biophysical properties (such as structural, functional, and spatial information, amino acid conservation, physicochemical variation, residue mobility, and thermodynamic stability) performed at Invitae indicates that this missense variant is expected to disrupt COL4A5 protein function. This missense change has been observed in individuals with Alport syndrome (PMID: 30968591; Invitae). This variant is not present in population databases (gnomAD no frequency). This sequence change replaces glycine, which is neutral and non-polar, with aspartic acid, which is acidic and polar, at codon 737 of the COL4A5 protein (p.Gly737Asp).

Literature cited by the submitters: PubMed 7695699 (cited by Labcorp Genetics (formerly Invitae), Labcorp); PubMed 8218237 (cited by Labcorp Genetics (formerly Invitae), Labcorp); PubMed 19344236 (cited by Labcorp Genetics (formerly Invitae), Labcorp); PubMed 23720012 (cited by Labcorp Genetics (formerly Invitae), Labcorp); PubMed 27627812 (cited by Labcorp Genetics (formerly Invitae), Labcorp); PubMed 30968591 (cited by Labcorp Genetics (formerly Invitae), Labcorp).

NM_033380.3(COL4A5):c.2210G>A (p.Gly737Asp)

Gene: COL4A5 (collagen type IV alpha 5 chain; plus strand). Cytogenetic location: Xq22.3.
Variant type: single nucleotide variant.
Coding change: c.2210G>A on transcript NM_033380.3 (MANE Select); coding-DNA position 2210, G replaced by A.
Protein change: p.Gly737Asp; replaces glycine 737 with aspartic acid.
Molecular consequence: missense variant.
Genome position (GRCh38, 1-based): chrX:108,603,027, G>A. VCF-style: chrX-108603027-G-A. GRCh37 (hg19) VCF-style: chrX-107846257-G-A.
Other names: c.2210G>A, p.Gly737Asp (NM_000495.5); short protein forms G737D.
Identifiers: ClinVar variation 2419219 (VCV002419219.7), dbSNP rs2524333227, ClinGen allele CA413847479.